The following is an entry in ClinVar:

NM_002900.3(RBP3):c.2164T>C (p.Ser722Pro)

Gene: RBP3 (retinol binding protein 3; plus strand). Cytogenetic location: 10q11.22.
Variant type: single nucleotide variant.
Coding change: c.2164T>C on transcript NM_002900.3 (MANE Select); coding-DNA position 2164, T replaced by C.
Protein change: p.Ser722Pro; replaces serine 722 with proline.
Molecular consequence: missense variant.
Genome position (GRCh38, 1-based): chr10:47,350,648, T>C. VCF-style: chr10-47350648-T-C. GRCh37 (hg19) VCF-style: chr10-48388714-A-G.
Other names: short protein forms S722P.
Identifiers: ClinVar variation 2127354 (VCV002127354.2), dbSNP rs1836955015, ClinGen allele CA376672239.

ClinVar aggregate classification (germline): Uncertain significance. Review status: criteria provided, multiple submitters, no conflicts (2 of 4 stars). 2 submissions from 2 submitters: Uncertain significance (2). Last evaluated 2022-05-13.

Submissions (2):

Labcorp Genetics (formerly Invitae), Labcorp
Classification: Uncertain significance. Last evaluated: 2022-05-13. Review status: criteria provided, single submitter. Criteria: Invitae Variant Classification Sherloc (09022015). Collection method: clinical testing. Allele origin: germline.
Comment: This sequence change replaces serine, which is neutral and polar, with proline, which is neutral and non-polar, at codon 722 of the RBP3 protein (p.Ser722Pro). This variant is not present in population databases (gnomAD no frequency). This variant has not been reported in the literature in individuals affected with RBP3-related conditions. Algorithms developed to predict the effect of missense changes on protein structure and function are either unavailable or do not agree on the potential impact of this missense change (SIFT: "Deleterious"; PolyPhen-2: "Benign"; Align-GVGD: "Class C0"). In summary, the available evidence is currently insufficient to determine the role of this variant in disease. Therefore, it has been classified as a Variant of Uncertain Significance.

Breakthrough Genomics
Classification: Uncertain significance. Review status: criteria provided, single submitter. Criteria: ACMG Guidelines, 2015. Collection method: not provided. Allele origin: germline. Inheritance: Autosomal recessive inheritance. Affected: yes.